The following is an entry in ClinVar:

ClinVar aggregate classification (germline): Benign/Likely benign. Review status: criteria provided, multiple submitters, no conflicts (2 of 4 stars). 4 submissions from 4 submitters: Benign (1); Likely benign (2). 1 of the submissions does not count toward it. Last evaluated 2026-06-01.

Conditions:
Prostate cancer. Also called: Malignant tumor of prostate. Identifiers: Orphanet 1331, MedGen C0376358, MONDO:0008315, HP:0012125.

Allele frequency attached by ClinVar (database versions not stated): gnomAD exomes 0.00010 and 0.00035; gnomAD 0.00013 and 0.00014; ESP Exome Variant Server 0.00015; 1000 Genomes Project 30x 0.00016; 1000 Genomes Project 0.00020; TOPMed 0.00020; ExAC 0.00038.
gnomAD v4.1: 167 of 1,614,204 alleles (0.01%); highest among the groups gnomAD compares: East Asian, 0.13%; no homozygotes.

Submissions (4):

CeGaT Center for Human Genetics Tuebingen
Classification: Likely benign. Last evaluated: 2026-06-01. Review status: criteria provided, single submitter. Criteria: CeGaT Center For Human Genetics Tuebingen Variant Classification Criteria Version 2. Collection method: clinical testing. Allele origin: germline. Affected: yes. Observed: 4 variant alleles.
Comment: KCNQ5: BS1

Labcorp Genetics (formerly Invitae), Labcorp
Classification: Benign. Last evaluated: 2025-12-16. Review status: criteria provided, single submitter. Criteria: Invitae Variant Classification Sherloc (09022015). Collection method: clinical testing. Allele origin: germline.

Blueprint Genetics
Classification: Likely benign. Last evaluated: 2024-11-12. Review status: criteria provided, single submitter. Criteria: ACMG Guidelines, 2015. Collection method: clinical testing. Allele origin: germline.

Science for Life laboratory,  Karolinska Institutet
Classification: Uncertain significance for Malignant tumor of prostate. Review status: no assertion criteria provided. Collection method: not provided. Allele origin: somatic. Not counted in ClinVar's aggregate classification.
Comment: TumorID:SWE-16
ClinVar note: Converted during submission from Unknown to Uncertain significance.

NM_019842.4(KCNQ5):c.2110G>A (p.Ala704Thr)

Gene: KCNQ5 (potassium voltage-gated channel subfamily Q member 5; plus strand). Cytogenetic location: 6q13.
Variant type: single nucleotide variant.
Coding change: c.2110G>A on transcript NM_019842.4 (MANE Select); coding-DNA position 2110, G replaced by A.
Protein change: p.Ala704Thr; replaces alanine 704 with threonine.
Molecular consequence: missense variant.
Genome position (GRCh38, 1-based): chr6:73,194,725, G>A. VCF-style: chr6-73194725-G-A. GRCh37 (hg19) VCF-style: chr6-73904448-G-A.
Other names: c.2083G>A, p.Ala695Thr (NM_001160130.2); c.2140G>A, p.Ala714Thr (NM_001160132.2); c.2167G>A, p.Ala723Thr (NM_001160133.2); c.1780G>A, p.Ala594Thr (NM_001160134.2); short protein forms A704T, A695T, A714T, A594T, A723T.
Identifiers: ClinVar variation 161727 (VCV000161727.17), dbSNP rs148543637, ClinGen allele CA174675.
Genomic context (GRCh38, chr6:73,194,725, plus strand): 5'-ATCTCGAGAGGCCTGCAGTTCATTCTGACGCCAAATGAGTTCAGTGCCCAGACTTTCTAC[G>A]CGCTTAGCCCTACTATGCACAGTCAAGCAACACAGGTGCCAATTAGTCAAAGCGATGGCT-3'
Protein context (NP_062816.2, residues 694-714): PNEFSAQTFY[Ala704Thr]LSPTMHSQAT